The following is an entry in ClinVar:

ClinVar aggregate classification (germline): Uncertain significance (1 of 4 stars; one submission).

Submission:

Labcorp Genetics (formerly Invitae), Labcorp
Classification: Uncertain significance. Last evaluated: 2023-10-04. Review status: criteria provided, single submitter. Criteria: Invitae Variant Classification Sherloc (09022015). Collection method: clinical testing. Allele origin: germline.
Comment: This sequence change replaces proline, which is neutral and non-polar, with serine, which is neutral and polar, at codon 1070 of the DSCAML1 protein (p.Pro1070Ser). This variant is not present in population databases (gnomAD no frequency). This variant has not been reported in the literature in individuals affected with DSCAML1-related conditions. An algorithm developed to predict the effect of missense changes on protein structure and function (PolyPhen-2) suggests that this variant is likely to be disruptive. In summary, the available evidence is currently insufficient to determine the role of this variant in disease. Therefore, it has been classified as a Variant of Uncertain Significance.

NM_020693.4(DSCAML1):c.3028C>T (p.Pro1010Ser)

Gene: DSCAML1 (DS cell adhesion molecule like 1; minus strand). Cytogenetic location: 11q23.3.
Variant type: single nucleotide variant.
Coding change: c.3028C>T on transcript NM_020693.4 (MANE Select); coding-DNA position 3028, C replaced by T.
Protein change: p.Pro1010Ser; replaces proline 1010 with serine.
Molecular consequence: missense variant.
Genome position (GRCh38, 1-based): chr11:117,465,179, G>A on the plus strand (C>T on the coding strand, the complement: DSCAML1 is on the minus strand). VCF-style: chr11-117465179-G-A. GRCh37 (hg19) VCF-style: chr11-117335895-G-A.
Other names: short protein forms P1010S.
Identifiers: ClinVar variation 2763476 (VCV002763476.3), dbSNP rs2543107496, ClinGen allele CA382740143.